The following is an entry in ClinVar:

NM_004859.4(CLTC):c.2919+5C>G

Gene: CLTC (clathrin heavy chain; plus strand). Cytogenetic location: 17q23.1.
Variant type: single nucleotide variant.
Coding change: c.2919+5C>G on transcript NM_004859.4 (MANE Select); 5 bases into the intron after coding-DNA position 2919, C replaced by G.
Molecular consequence: intron variant.
Genome position (GRCh38, 1-based): chr17:59,679,524, C>G. VCF-style: chr17-59679524-C-G. GRCh37 (hg19) VCF-style: chr17-57756885-C-G.
Other names: c.2931+5C>G (NM_001288653.2).
Identifiers: ClinVar variation 4775609 (VCV004775609.1).

ClinVar aggregate classification (germline): Uncertain significance (1 of 4 stars; one submission).

gnomAD v4.1: 2 of 1,579,114 alleles (0.00013%); highest among the groups gnomAD compares: Non-Finnish European, 0.000086%; no homozygotes.

Submission:

Labcorp Genetics (formerly Invitae), Labcorp
Classification: Uncertain significance. Last evaluated: 2025-04-23. Review status: criteria provided, single submitter. Criteria: Invitae Variant Classification Sherloc (09022015). Collection method: clinical testing. Allele origin: germline.
Comment: This sequence change falls in intron 18 of the CLTC gene. It does not directly change the encoded amino acid sequence of the CLTC protein. It affects a nucleotide within the consensus splice site. This variant is present in population databases (rs774180676, gnomAD 0.0009%). This variant has not been reported in the literature in individuals affected with CLTC-related conditions. Variants that disrupt the consensus splice site are a relatively common cause of aberrant splicing (PMID: 17576681, 9536098). Algorithms developed to predict the effect of sequence changes on RNA splicing suggest that this variant is not likely to affect RNA splicing. In summary, the available evidence is currently insufficient to determine the role of this variant in disease. Therefore, it has been classified as a Variant of Uncertain Significance.

Literature cited by the submitters: PubMed 17576681; PubMed 9536098.